The following is an entry in ClinVar:

NM_003036.4(SKI):c.1739C>T (p.Ala580Val)

Gene: SKI (SKI proto-oncogene; plus strand). Cytogenetic location: 1p36.32.
Variant type: single nucleotide variant.
Coding change: c.1739C>T on transcript NM_003036.4 (MANE Select); coding-DNA position 1739, C replaced by T.
Protein change: p.Ala580Val; replaces alanine 580 with valine.
Molecular consequence: missense variant.
Genome position (GRCh38, 1-based): chr1:2,304,557, C>T. VCF-style: chr1-2304557-C-T. GRCh37 (hg19) VCF-style: chr1-2235996-C-T.
Other names: short protein forms A580V.
Identifiers: ClinVar variation 432018 (VCV000432018.14), dbSNP rs1397350089, ClinGen allele CA337957856.
Genomic context (GRCh38, chr1:2,304,557, plus strand): 5'-AGAAGTTCCTGCATGAGGTGGTCAAGATGCGCGTGAAGCAGGAGGAGAAGCTCAGCGCAG[C>T]CCTGCAGGCCAAGCGCAGCCTCCACCAGGTGAGCGGGGCGAGTGGTGCTGGGAGGTCCAG-3'
Protein context (NP_003027.1, residues 570-590): RVKQEEKLSA[Ala580Val]LQAKRSLHQE

ClinVar aggregate classification (germline): Conflicting classifications of pathogenicity. Review status: criteria provided, conflicting classifications (1 of 4 stars). 3 submissions from 3 submitters: Uncertain significance (2); Likely benign (1). Last evaluated 2025-08-20.

Conditions:
Shprintzen-Goldberg syndrome (SGS). Also called: SHPRINTZEN-GOLDBERG CRANIOSYNOSTOSIS SYNDROME; CRANIOSYNOSTOSIS WITH ARACHNODACTYLY AND ABDOMINAL HERNIAS; Marfanoid disorder with craniosynostosis type 1; Marfanoid craniosynostosis syndrome; Shprintzen-Goldberg marfanoid syndrome. Identifiers: Orphanet 2462, MedGen C1321551, MONDO:0008426, OMIM 182212.
Familial thoracic aortic aneurysm and aortic dissection (TAAD). Also called: Thoracic aortic aneurysms and dissections. Identifiers: Orphanet 91387, MedGen C4707243, MONDO:0019625.

Allele frequency attached by ClinVar (database versions not stated): TOPMed below 0.00001; gnomAD 0.00001; gnomAD exomes 0.00002.

Submissions (3):

Labcorp Genetics (formerly Invitae), Labcorp
Classification: Likely benign for Shprintzen-Goldberg syndrome. Last evaluated: 2025-08-20. Review status: criteria provided, single submitter. Criteria: Invitae Variant Classification Sherloc (09022015). Collection method: clinical testing. Allele origin: germline.

GeneDx
Classification: Uncertain significance. Last evaluated: 2025-04-30. Review status: criteria provided, single submitter. Criteria: GeneDx Variant Classification Process June 2021. Collection method: clinical testing. Allele origin: germline. Affected: yes.
Comment: Has not been previously published as pathogenic or benign to our knowledge; In silico analysis indicates that this missense variant does not alter protein structure/function

Ambry Genetics
Classification: Uncertain significance for Familial thoracic aortic aneurysm and aortic dissection. Last evaluated: 2023-01-13. Review status: criteria provided, single submitter. Criteria: Ambry Variant Classification Scheme 2023. Collection method: clinical testing. Allele origin: germline.
Comment: The p.A580V variant (also known as c.1739C>T), located in coding exon 5 of the SKI gene, results from a C to T substitution at nucleotide position 1739. The alanine at codon 580 is replaced by valine, an amino acid with similar properties. This amino acid position is conserved. In addition, the in silico prediction for this alteration is inconclusive. Since supporting evidence is limited at this time, the clinical significance of this alteration remains unclear.